The following is an entry in ClinVar:

NM_004612.4(TGFBR1):c.790G>A (p.Ala264Thr)

Gene: TGFBR1 (transforming growth factor beta receptor 1; plus strand). Cytogenetic location: 9q22.33.
Variant type: single nucleotide variant.
Coding change: c.790G>A on transcript NM_004612.4 (MANE Select); coding-DNA position 790, G replaced by A.
Protein change: p.Ala264Thr; replaces alanine 264 with threonine.
Molecular consequence: missense variant.
Genome position (GRCh38, 1-based): chr9:99,138,074, G>A. VCF-style: chr9-99138074-G-A. GRCh37 (hg19) VCF-style: chr9-101900356-G-A.
Other names: c.559G>A, p.Ala187Thr (NM_001130916.3); c.802G>A, p.Ala268Thr (NM_001306210.2, NM_001407416.1); c.790G>A, p.Ala264Thr (NM_001407417.1); c.595G>A, p.Ala199Thr (NM_001407418.1, NM_001407419.1, NM_001407420.1 and 1 more transcripts); c.583G>A, p.Ala195Thr (NM_001407423.1, NM_001407424.1, NM_001407425.1 and 8 more transcripts); c.544G>A, p.Ala182Thr (NM_001407436.1); c.313G>A, p.Ala105Thr (NM_001407438.1); short protein forms A182T, A199T, A195T, A264T, A105T, A187T, A268T.
Identifiers: ClinVar variation 1761183 (VCV001761183.3), dbSNP rs2118723256, ClinGen allele CA374230319.

ClinVar aggregate classification (germline): Uncertain significance. Review status: criteria provided, multiple submitters, no conflicts (2 of 4 stars). 2 submissions from 2 submitters: Uncertain significance (2). Last evaluated 2025-10-02.

Conditions:
Familial thoracic aortic aneurysm and aortic dissection (TAAD). Also called: Thoracic aortic aneurysms and dissections. Identifiers: Orphanet 91387, MedGen C4707243, MONDO:0019625.

Submissions (2):

Labcorp Genetics (formerly Invitae), Labcorp
Classification: Uncertain significance for Familial thoracic aortic aneurysm and aortic dissection. Last evaluated: 2025-10-02. Review status: criteria provided, single submitter. Criteria: Invitae Variant Classification Sherloc (09022015). Collection method: clinical testing. Allele origin: germline.
Comment: This sequence change replaces alanine, which is neutral and non-polar, with threonine, which is neutral and polar, at codon 264 of the TGFBR1 protein (p.Ala264Thr). This variant is not present in population databases (gnomAD no frequency). This missense change has been observed in individual(s) with TGFBR1-related conditions (PMID: 29907982). ClinVar contains an entry for this variant (Variation ID: 1761183). Invitae Evidence Modeling of protein sequence and biophysical properties (such as structural, functional, and spatial information, amino acid conservation, physicochemical variation, residue mobility, and thermodynamic stability) indicates that this missense variant is expected to disrupt TGFBR1 protein function with a positive predictive value of 80%. In summary, the available evidence is currently insufficient to determine the role of this variant in disease. Therefore, it has been classified as a Variant of Uncertain Significance.

Ambry Genetics
Classification: Uncertain significance for Familial thoracic aortic aneurysm and aortic dissection. Last evaluated: 2021-05-27. Review status: criteria provided, single submitter. Criteria: Ambry Variant Classification Scheme 2023. Collection method: clinical testing. Allele origin: germline.
Comment: The p.A264T variant (also known as c.790G>A), located in coding exon 4 of the TGFBR1 gene, results from a G to A substitution at nucleotide position 790. The alanine at codon 264 is replaced by threonine, an amino acid with similar properties, and is located in the protein kinase domain. This variant has been detected in an individual from a suspected hereditary thoracic aortic disorders cohort and reportedly showed segregation with disease with incomplete penetrance; however, details were limited (Overwater E et al. Hum Mutat, 2018 09;39:1173-1192). This amino acid position is highly conserved in available vertebrate species. In addition, this alteration is predicted to be deleterious by in silico analysis. Since supporting evidence is limited at this time, the clinical significance of this alteration remains unclear.

Literature cited by the submitters: PubMed 29907982 (cited by Labcorp Genetics (formerly Invitae), Labcorp and Ambry Genetics).